The following is an entry in ClinVar:

ClinVar aggregate classification (germline): Benign. Review status: criteria provided, multiple submitters, no conflicts (2 of 4 stars). 2 submissions from 2 submitters: Benign (2). Last evaluated 2018-06-18.

Allele frequency attached by ClinVar (database versions not stated): gnomAD 0.16583 and 0.17071; TOPMed 0.16956; 1000 Genomes Project 30x 0.22174; 1000 Genomes Project 0.22604.
gnomAD v4.1: 25,920 of 152,160 alleles (17%); highest among the groups gnomAD compares: East Asian, 34%; 2,489 homozygotes.

Submissions (2):

GeneDx
Classification: Benign. Last evaluated: 2018-06-18. Review status: criteria provided, single submitter. Criteria: GeneDx Variant Classification (06012015). Collection method: clinical testing. Allele origin: germline. Affected: yes.
Comment: This variant is considered likely benign or benign based on one or more of the following criteria: it is a conservative change, it occurs at a poorly conserved position in the protein, it is predicted to be benign by multiple in silico algorithms, and/or has population frequency not consistent with disease.

Breakthrough Genomics
Classification: Benign. Review status: criteria provided, single submitter. Criteria: ACMG Guidelines, 2015. Collection method: not provided. Allele origin: germline. Inheritance: Autosomal dominant inheritance. Affected: yes.

NM_004408.4(DNM1):c.1335+1947C>A

Gene: DNM1 (dynamin 1; plus strand). Cytogenetic location: 9q34.11.
Variant type: single nucleotide variant.
Coding change: c.1335+1947C>A on transcript NM_004408.4 (MANE Select); 1947 bases into the intron after coding-DNA position 1335, C replaced by A.
Molecular consequence: intron variant.
Genome position (GRCh38, 1-based): chr9:128,226,336, C>A. VCF-style: chr9-128226336-C-A. GRCh37 (hg19) VCF-style: chr9-130988615-C-A.
Other names: c.1335+1947C>A (NM_001005336.3); c.1335+163C>A (NM_001288738.2, NM_001288737.2, NM_001288739.2).
Identifiers: ClinVar variation 679316 (VCV000679316.2), dbSNP rs77264652, ClinGen allele CA13076037.